The following is an entry in ClinVar:

ClinVar aggregate classification (germline): Uncertain significance (1 of 4 stars; one submission).

Submission:

Labcorp Genetics (formerly Invitae), Labcorp
Classification: Uncertain significance. Last evaluated: 2025-07-23. Review status: criteria provided, single submitter. Criteria: Invitae Variant Classification Sherloc (09022015). Collection method: clinical testing. Allele origin: germline.
Comment: This sequence change replaces methionine, which is neutral and non-polar, with lysine, which is basic and polar, at codon 2212 of the POLE protein (p.Met2212Lys). This variant is not present in population databases (gnomAD no frequency). This variant has not been reported in the literature in individuals affected with POLE-related conditions. Invitae Evidence Modeling of protein sequence and biophysical properties (such as structural, functional, and spatial information, amino acid conservation, physicochemical variation, residue mobility, and thermodynamic stability) indicates that this missense variant is not expected to disrupt POLE protein function with a negative predictive value of 80%. In summary, the available evidence is currently insufficient to determine the role of this variant in disease. Therefore, it has been classified as a Variant of Uncertain Significance.

NM_006231.4(POLE):c.6635T>A (p.Met2212Lys)

Gene: POLE (DNA polymerase epsilon, catalytic subunit; minus strand). Cytogenetic location: 12q24.33.
Variant type: single nucleotide variant.
Coding change: c.6635T>A on transcript NM_006231.4 (MANE Select); coding-DNA position 6635, T replaced by A.
Protein change: p.Met2212Lys; replaces methionine 2212 with lysine.
Molecular consequence: missense variant.
Genome position (GRCh38, 1-based): chr12:132,625,667, A>T on the plus strand (T>A on the coding strand, the complement: POLE is on the minus strand). VCF-style: chr12-132625667-A-T. GRCh37 (hg19) VCF-style: chr12-133202253-A-T.
Other names: short protein forms M2212K.
Identifiers: ClinVar variation 4745585 (VCV004745585.1).